The following is an entry in ClinVar:

ClinVar aggregate classification (germline): Benign (1 of 4 stars; one submission).

Submission:

Unidad de Genómica Garrahan, Hospital de Pediatría Garrahan
Classification: Benign. Last evaluated: 2024-01-24. Review status: criteria provided, single submitter. Criteria: ACMG Guidelines, 2015. Collection method: clinical testing. Allele origin: germline. Affected: no. Observed: 26 variant alleles.
Comment: This variant is classified as Benign based on local population frequency. This variant was detected in 30% of patients studied by a panel of primary immunodeficiencies. Number of patients: 26. Only high quality variants are reported.

NM_001561.6(TNFRSF9):c.413+1248GTTT[7]

Gene: TNFRSF9 (TNF receptor superfamily member 9; minus strand). Cytogenetic location: 1p36.23.
Variant type: Microsatellite.
Coding change: c.413+1248GTTT[7] on transcript NM_001561.6 (MANE Select); seven copies in a row of the 4-base unit GTTT starting at c.413+1248; the reference has six copies in a row; one copy, 4 bases duplicated.
Molecular consequence: intron variant.
Genome position (GRCh38, 1-based): chr1:7,936,419-7,936,422, AAAC duplicated on the plus strand (GTTT on the coding strand, the reverse complement: TNFRSF9 is on the minus strand); duplicating any 4 consecutive bases within chr1:7,936,419-7,936,445 gives the same sequence; the position shown is the placement nearest the transcript's 3' end. VCF-style (leftmost placement, unchanged base first): chr1-7936418-A-AAAAC. GRCh37 (hg19) VCF-style: chr1-7996478-A-AAAAC.
Identifiers: ClinVar variation 2688461 (VCV002688461.2), dbSNP rs9657973, ClinGen allele CA17273846.